The following is an entry in ClinVar:

ClinVar aggregate classification (germline): Uncertain significance (1 of 4 stars; one submission).

Conditions:
Familial thoracic aortic aneurysm and aortic dissection (TAAD). Also called: Thoracic aortic aneurysms and dissections. Identifiers: Orphanet 91387, MedGen C4707243, MONDO:0019625.

Submission:

Color Diagnostics, LLC DBA Color Health
Classification: Uncertain significance for Familial thoracic aortic aneurysm and aortic dissection. Last evaluated: 2025-08-07. Review status: criteria provided, single submitter. Criteria: ACMG Guidelines, 2015. Collection method: clinical testing. Allele origin: germline.
Comment: This missense variant replaces leucine with arginine at codon 1720 of the MYH11 protein. Computational prediction suggests that this variant may have deleterious impact on protein structure and function. To our knowledge, functional studies have not been reported for this variant. This variant has not been reported in individuals affected with MYH11-related disorders in the literature. This variant has not been identified in the general population by the Genome Aggregation Database (gnomAD). The available evidence is insufficient to determine the role of this variant in disease conclusively. Therefore, this variant is classified as a Variant of Uncertain Significance.

NM_002474.3(MYH11):c.5138T>G (p.Leu1713Arg)

Genes: NDE1 (nudE neurodevelopment protein 1; plus strand), MYH11 (myosin heavy chain 11; minus strand). Cytogenetic location: 16p13.11.
Variant type: single nucleotide variant.
Coding change: c.5138T>G on transcript NM_002474.3 (MANE Select); coding-DNA position 5138, T replaced by G.
Protein change: p.Leu1713Arg; replaces leucine 1713 with arginine.
Molecular consequence: missense variant. On other transcripts: intron variant (2).
Genome position (GRCh38, 1-based): chr16:15,719,253, A>C on the plus strand (T>G on the coding strand, the complement: MYH11 is on the minus strand). VCF-style: chr16-15719253-A-C. GRCh37 (hg19) VCF-style: chr16-15813110-A-C.
Other names: c.5159T>G, p.Leu1720Arg (NM_001040113.2, NM_001040114.2); c.5138T>G, p.Leu1713Arg (NM_022844.3); c.948-4938A>C (NM_001143979.2, NM_017668.3); short protein forms L1713R, L1720R.
Identifiers: ClinVar variation 4759131 (VCV004759131.1).